The following is an entry in ClinVar:

NM_006231.4(POLE):c.2512A>G (p.Thr838Ala)

Gene: POLE (DNA polymerase epsilon, catalytic subunit; minus strand). Cytogenetic location: 12q24.33.
Variant type: single nucleotide variant.
Coding change: c.2512A>G on transcript NM_006231.4 (MANE Select); coding-DNA position 2512, A replaced by G.
Protein change: p.Thr838Ala; replaces threonine 838 with alanine.
Molecular consequence: missense variant.
Genome position (GRCh38, 1-based): chr12:132,664,419, T>C on the plus strand (A>G on the coding strand, the complement: POLE is on the minus strand). VCF-style: chr12-132664419-T-C. GRCh37 (hg19) VCF-style: chr12-133241005-T-C.
Other names: short protein forms T838A.
Identifiers: ClinVar variation 3643350 (VCV003643350.2).
Genomic context (GRCh38, chr12:132,664,419, plus strand): 5'-TCTGCACTCACCCAATCTGCTCGATCAGCTCCCGTGCCTGGGTGATGATGTTGGCCCCTG[T>C]GAAGCAGACGATGCCAGCCATCTCCATGGAGTACCAGCGAGCCCTGAGAGGACACCACAA-3'
Protein context (NP_006222.2, residues 828-848): SMEMAGIVCF[Thr838Ala]GANIITQARE

ClinVar aggregate classification (germline): Uncertain significance (1 of 4 stars; one submission).

Submission:

Labcorp Genetics (formerly Invitae), Labcorp
Classification: Uncertain significance. Last evaluated: 2024-02-26. Review status: criteria provided, single submitter. Criteria: Invitae Variant Classification Sherloc (09022015). Collection method: clinical testing. Allele origin: germline.
Comment: This sequence change replaces threonine, which is neutral and polar, with alanine, which is neutral and non-polar, at codon 838 of the POLE protein (p.Thr838Ala). This variant is not present in population databases (gnomAD no frequency). This variant has not been reported in the literature in individuals affected with POLE-related conditions. Advanced modeling of protein sequence and biophysical properties (such as structural, functional, and spatial information, amino acid conservation, physicochemical variation, residue mobility, and thermodynamic stability) performed at Invitae indicates that this missense variant is not expected to disrupt POLE protein function with a negative predictive value of 80%. In summary, the available evidence is currently insufficient to determine the role of this variant in disease. Therefore, it has been classified as a Variant of Uncertain Significance.